The following is an entry in ClinVar:

ClinVar aggregate classification (germline): Likely benign (1 of 4 stars; one submission).

Conditions:
Cardiomyopathy (CMYO). Also called: Cardiomyopathies. Identifiers: Orphanet 167848, MedGen C0878544, MONDO:0004994, HP:0001638. Inheritance: Various modes of inheritance.

Allele frequency attached by ClinVar (database versions not stated): TOPMed below 0.00001.

Submission:

All of Us Research Program, National Institutes of Health
Classification: Likely benign for Cardiomyopathy. Last evaluated: 2023-03-23. Review status: criteria provided, single submitter. Criteria: ACMG Guidelines, 2015. Collection method: clinical testing. Allele origin: germline. Inheritance: Autosomal dominant inheritance. Observed: 1 variant allele, 1 heterozygote.
Comment: This study involves interpretation of variants in research participants for the purpose of population health screening. Participant phenotype was not available at the time of variant classification. Additional details can be found in publication PMID: 35346344, PMCID: PMC8962531

NM_000257.4(MYH7):c.672C>T (p.Asn224=)

Gene: MYH7 (myosin heavy chain 7; minus strand). Cytogenetic location: 14q11.2.
Variant type: single nucleotide variant.
Coding change: c.672C>T on transcript NM_000257.4 (MANE Select); coding-DNA position 672, C replaced by T.
Protein change: p.Asn224=; no amino-acid change (asparagine 224 retained).
Molecular consequence: synonymous variant.
Genome position (GRCh38, 1-based): chr14:23,431,645, G>A on the plus strand (C>T on the coding strand, the complement: MYH7 is on the minus strand). VCF-style: chr14-23431645-G-A. GRCh37 (hg19) VCF-style: chr14-23900854-G-A.
Other names: c.672C>T, p.Asn224= (NM_001407004.1).
Identifiers: ClinVar variation 3069898 (VCV003069898.1), dbSNP rs1892946587, ClinGen allele CA485767355.